The following is an entry in ClinVar:

ClinVar aggregate classification (germline): Uncertain significance (1 of 4 stars; one submission).

Allele frequency attached by ClinVar (database versions not stated): gnomAD exomes below 0.00001; ExAC 0.00001; TOPMed 0.00003.
gnomAD v4.1: 6 of 1,613,474 alleles (0.00037%); highest among the groups gnomAD compares: Admixed American, 0.0033%; no homozygotes.

Submission:

Labcorp Genetics (formerly Invitae), Labcorp
Classification: Uncertain significance. Last evaluated: 2022-05-27. Review status: criteria provided, single submitter. Criteria: Invitae Variant Classification Sherloc (09022015). Collection method: clinical testing. Allele origin: germline.
Comment: This sequence change replaces serine, which is neutral and polar, with glycine, which is neutral and non-polar, at codon 2506 of the PCLO protein (p.Ser2506Gly). This variant is present in population databases (rs201606852, gnomAD 0.003%). This variant has not been reported in the literature in individuals affected with PCLO-related conditions. Algorithms developed to predict the effect of missense changes on protein structure and function are either unavailable or do not agree on the potential impact of this missense change (SIFT: "Deleterious"; PolyPhen-2: "Not Available"; Align-GVGD: "Class C0"). In summary, the available evidence is currently insufficient to determine the role of this variant in disease. Therefore, it has been classified as a Variant of Uncertain Significance.

NM_033026.6(PCLO):c.7516A>G (p.Ser2506Gly)

Gene: PCLO (piccolo presynaptic cytomatrix protein; minus strand). Cytogenetic location: 7q21.11.
Variant type: single nucleotide variant.
Coding change: c.7516A>G on transcript NM_033026.6 (MANE Select); coding-DNA position 7516, A replaced by G.
Protein change: p.Ser2506Gly; replaces serine 2506 with glycine.
Molecular consequence: missense variant.
Genome position (GRCh38, 1-based): chr7:82,953,437, T>C on the plus strand (A>G on the coding strand, the complement: PCLO is on the minus strand). VCF-style: chr7-82953437-T-C. GRCh37 (hg19) VCF-style: chr7-82582753-T-C.
Other names: c.7516A>G, p.Ser2506Gly (NM_014510.3); short protein forms S2506G.
Identifiers: ClinVar variation 1901228 (VCV001901228.2), dbSNP rs201606852, ClinGen allele CA4320287.